The following is an entry in ClinVar:

ClinVar aggregate classification (germline): Uncertain significance (1 of 4 stars; one submission).

Submission:

Dasa
Classification: Uncertain significance. Last evaluated: 2026-03-26. Review status: criteria provided, single submitter. Criteria: DASA Assertion Criteria. Collection method: clinical testing. Allele origin: germline.
Comment: NM_207037.2(TCF12):c.1543A>G (p.Ser515Gly) is a missense variant that results in the substitution of serine with glycine. This variant is rare in population databases. Computational prediction algorithms are consistent with a benign effect. The currently available literature and clinical evidence are not sufficient to establish a definitive association between this variant and the reported condition. Therefore, this variant is classified as a variant of uncertain significance.

NM_207037.2(TCF12):c.1543A>G (p.Ser515Gly)

Gene: TCF12 (transcription factor 12; plus strand). Cytogenetic location: 15q21.3.
Variant type: single nucleotide variant.
Coding change: c.1543A>G on transcript NM_207037.2 (MANE Select); coding-DNA position 1543, A replaced by G.
Protein change: p.Ser515Gly; replaces serine 515 with glycine.
Molecular consequence: missense variant.
Genome position (GRCh38, 1-based): chr15:57,262,169, A>G. VCF-style: chr15-57262169-A-G. GRCh37 (hg19) VCF-style: chr15-57554367-A-G.
Other names: c.1033A>G, p.Ser345Gly (NM_001306219.3); c.763A>G, p.Ser255Gly (NM_001306220.3); c.1543A>G, p.Ser515Gly (NM_001322151.2, NM_001322152.2, NM_001322159.3 and 2 more transcripts); c.886A>G, p.Ser296Gly (NM_001322154.2); c.1369A>G, p.Ser457Gly (NM_001322156.2); c.1471A>G, p.Ser491Gly (NM_001322157.3, NM_001322165.2, NM_003205.4 and 1 more transcripts); c.1297A>G, p.Ser433Gly (NM_001322158.2); c.1540A>G, p.Ser514Gly (NM_001322161.2); and 2 more; short protein forms S255G, S296G, S321G, S345G, S433G, S457G, S491G, S503G.
Identifiers: ClinVar variation 4883135 (VCV004883135.2).